The following is an entry in ClinVar:

ClinVar aggregate classification (germline): Uncertain significance. Review status: criteria provided, multiple submitters, no conflicts (2 of 4 stars). 3 submissions from 3 submitters: Uncertain significance (3). Last evaluated 2022-06-02.

Conditions:
Hereditary breast ovarian cancer syndrome. Also called: Hereditary breast and/or ovarian cancer syndrome; Hereditary breast and ovarian cancer syndrome (HBOC); Breast and ovarian cancer; Hereditary breast and ovarian cancer; BRCA1- and BRCA2-Associated Hereditary Breast and Ovarian Cancer; Hereditary breast and ovarian cancer syndrome. Identifiers: Orphanet 145, MedGen C0677776, MeSH D061325, MONDO:0003582. Disease mechanism: loss of function.

Submissions (3):

Labcorp Genetics (formerly Invitae), Labcorp
Classification: Uncertain significance. Last evaluated: 2022-06-02. Review status: criteria provided, single submitter. Criteria: Invitae Variant Classification Sherloc (09022015). Collection method: clinical testing. Allele origin: germline.
Comment: This sequence change replaces leucine, which is neutral and non-polar, with phenylalanine, which is neutral and non-polar, at codon 68 of the RINT1 protein (p.Leu68Phe). This variant is not present in population databases (gnomAD no frequency). This variant has not been reported in the literature in individuals affected with RINT1-related conditions. ClinVar contains an entry for this variant (Variation ID: 830288). Algorithms developed to predict the effect of missense changes on protein structure and function (SIFT, PolyPhen-2, Align-GVGD) all suggest that this variant is likely to be tolerated. In summary, the available evidence is currently insufficient to determine the role of this variant in disease. Therefore, it has been classified as a Variant of Uncertain Significance.

Ambry Genetics
Classification: Uncertain significance. Last evaluated: 2021-10-28. Review status: criteria provided, single submitter. Criteria: Ambry Variant Classification Scheme 2023. Collection method: clinical testing. Allele origin: germline.
Comment: The p.L68F variant (also known as c.202C>T), located in coding exon 3 of the RINT1 gene, results from a C to T substitution at nucleotide position 202. The leucine at codon 68 is replaced by phenylalanine, an amino acid with highly similar properties. This amino acid position is well conserved in available vertebrate species. In addition, this alteration is predicted to be tolerated by in silico analysis. Since supporting evidence is limited at this time, the clinical significance of this alteration remains unclear.

Cancer Genomics Group, Japanese Foundation For Cancer Research
Classification: Uncertain significance for Hereditary breast and ovarian cancer syndrome. Last evaluated: 2019-05-01. Review status: criteria provided, single submitter. Criteria: ACMG Guidelines, 2015. Collection method: research. Allele origin: germline. Affected: yes.

NM_021930.6(RINT1):c.202C>T (p.Leu68Phe)

Gene: RINT1 (RAD50 interactor 1; plus strand). Cytogenetic location: 7q22.3.
Variant type: single nucleotide variant.
Coding change: c.202C>T on transcript NM_021930.6 (MANE Select); coding-DNA position 202, C replaced by T.
Protein change: p.Leu68Phe; replaces leucine 68 with phenylalanine.
Molecular consequence: missense variant. On other transcripts: 5 prime UTR variant (3), non-coding transcript variant (1), intron variant (1).
Genome position (GRCh38, 1-based): chr7:105,536,678, C>T. VCF-style: chr7-105536678-C-T. GRCh37 (hg19) VCF-style: chr7-105177125-C-T.
Other names: c.-818C>T (NM_001346600.2); c.-721C>T (NM_001346601.2); c.-341C>T (NM_001346603.2); c.39+66C>T (NM_001346599.2); short protein forms L68F.
Identifiers: ClinVar variation 830288 (VCV000830288.12), dbSNP rs1790249927, ClinGen allele CA368800429.
Genomic context (GRCh38, chr7:105,536,678, plus strand): 5'-GATAATGGTGATCTCCCTTCTTATGTGTCTGCATTCATAGAAAAGGAAGTTGGAAATGAC[C>T]TTAAATCTTTAAAGAAACTTGATAAACTCATAGAACAGAGGACAGTAAGTAAAATGCAGT-3'
Protein context (NP_068749.3, residues 58-78): AFIEKEVGND[Leu68Phe]KSLKKLDKLI